The following is an entry in ClinVar:

NM_007327.4(GRIN1):c.1113+2T>C

Gene: GRIN1 (glutamate ionotropic receptor NMDA type subunit 1; plus strand). Cytogenetic location: 9q34.3.
Variant type: single nucleotide variant.
Coding change: c.1113+2T>C on transcript NM_007327.4 (MANE Select); the canonical splice donor site of the intron after coding-DNA position 1113, T replaced by C.
Molecular consequence: splice donor variant.
Genome position (GRCh38, 1-based): chr9:137,158,525, T>C. VCF-style: chr9-137158525-T-C. GRCh37 (hg19) VCF-style: chr9-140052977-T-C.
Other names: c.1176+2T>C (NM_001185090.2, NM_001185091.2); c.1113+2T>C (NM_021569.4, NM_000832.7).
Identifiers: ClinVar variation 2840553 (VCV002840553.3), dbSNP rs1226946837, ClinGen allele CA375715612.

ClinVar aggregate classification (germline): Likely pathogenic (1 of 4 stars; one submission).

Conditions:
Neurodevelopmental disorder with or without hyperkinetic movements and seizures, autosomal dominant. Also called: Intellectual disability, autosomal dominant 8. Identifiers: MedGen C3280282, MONDO:0013655, OMIM 614254.

Allele frequency attached by ClinVar (database versions not stated): gnomAD exomes below 0.00001.
gnomAD v4.1: 1 of 1,612,604 alleles (0.000062%); highest among the groups gnomAD compares: Non-Finnish European, 0.000085%; no homozygotes.

Submission:

Labcorp Genetics (formerly Invitae), Labcorp
Classification: Likely pathogenic for Neurodevelopmental disorder with or without hyperkinetic movements and seizures, autosomal dominant. Last evaluated: 2023-02-24. Review status: criteria provided, single submitter. Criteria: Invitae Variant Classification Sherloc (09022015). Collection method: clinical testing. Allele origin: germline.
Comment: This variant is present in population databases (no rsID available, gnomAD 0.0009%). In summary, the currently available evidence indicates that the variant is pathogenic, but additional data are needed to prove that conclusively. Therefore, this variant has been classified as Likely Pathogenic. Algorithms developed to predict the effect of sequence changes on RNA splicing suggest that this variant may disrupt the consensus splice site. This variant has not been reported in the literature in individuals affected with GRIN1-related conditions. This sequence change affects a donor splice site in intron 7 of the GRIN1 gene. It is expected to disrupt RNA splicing. Variants that disrupt the donor or acceptor splice site typically lead to a loss of protein function (PMID: 16199547), and loss-of-function variants in GRIN1 are known to be pathogenic (PMID: 27164704, 35393335).

Literature cited by the submitters: PubMed 16199547; PubMed 27164704; PubMed 35393335.